The following is an entry in ClinVar:

NM_000359.3(TGM1):c.953del (p.Pro318fs)

Gene: TGM1 (transglutaminase 1; minus strand). Cytogenetic location: 14q12.
Variant type: Deletion.
Coding change: c.953del on transcript NM_000359.3 (MANE Select); coding-DNA position 953, one base deleted (C; older notation c.953delC).
Protein change: p.Pro318fs; shifts the reading frame from proline 318.
Molecular consequence: frameshift variant.
Genome position (GRCh38, 1-based): chr14:24,259,735, G deleted on the plus strand (C on the coding strand, the reverse complement: TGM1 is on the minus strand); the first of 3 consecutive G bases (chr14:24,259,735-24,259,737); deleting any one gives the same sequence. VCF-style (leftmost placement, unchanged base first): chr14-24259734-TG-T. GRCh37 (hg19) VCF-style: chr14-24728940-TG-T.
Other names: c.953del (NM_000359.2); short protein forms P318fs.
Identifiers: ClinVar variation 2679185 (VCV002679185.2), dbSNP rs755366540, ClinGen allele CA7131231.
Genomic context (GRCh38, chr14:24,259,734, plus strand): 5'-AGTAGGACTCAGAGATGTGAGGGTGCTCACCATGGCAGAGATGACCCGGGAGACATTGAC[TG>T]GGTCTCCACGGCCTCCATATGGCATCCCCCGCCGGTCCAGGATGTATAAGCAGGCATCCA-3'

ClinVar aggregate classification (germline): Likely pathogenic. Review status: criteria provided, multiple submitters, no conflicts (2 of 4 stars). 2 submissions from 2 submitters: Likely pathogenic (2). Last evaluated 2025-11-25.

Conditions:
Autosomal recessive congenital ichthyosis 1 (LI1). Also called: ICHTHYOSIS, CONGENITAL, AUTOSOMAL RECESSIVE 1, WITH BATHING SUIT DISTRIBUTION; ICHTHYOSIS, CONGENITAL, AUTOSOMAL RECESSIVE 1, WITH OR WITHOUT BATHING SUIT DISTRIBUTION; COLLODION FETUS; DESQUAMATION OF NEWBORN; ICHTHYOSIS CONGENITA; ICHTHYOSIS CONGENITA II. Identifiers: MedGen C4551630, MONDO:0009441, OMIM 242300.

Submissions (2):

Natera, Inc.
Classification: Likely pathogenic for Autosomal recessive congenital ichthyosis type 1. Last evaluated: 2025-11-25. Review status: criteria provided, single submitter. Criteria: Natera Variant Classification Schema (03/2026). Collection method: clinical testing. Allele origin: germline.
Comment: The c.953del variant in TGM1 is a frameshift variant predicted to shift the reading frame beginning at codon 318 and leads to a stop codon 12 codons downstream. This variant is expected to result in nonsense mediated decay, truncation, or a dysfunctional protein product. This variant is rare in the general population with a frequency below the threshold expected for the associated phenotype(s). Given the available evidence, this variant is classified as Likely Pathogenic.

Baylor Genetics
Classification: Likely pathogenic for Autosomal recessive congenital ichthyosis 1. Last evaluated: 2023-02-11. Review status: criteria provided, single submitter. Criteria: ACMG Guidelines, 2015. Collection method: clinical testing. Allele origin: unknown.